The following is an entry in ClinVar:

ClinVar aggregate classification (germline): Likely benign (1 of 4 stars; one submission).

Allele frequency attached by ClinVar (database versions not stated): 1000 Genomes Project 0.00060; 1000 Genomes Project 30x 0.00062; TOPMed 0.00122; gnomAD exomes 0.00179; gnomAD 0.00281.
gnomAD v4.1: 2,661 of 1,404,724 alleles (0.19%); highest among the groups gnomAD compares: Non-Finnish European, 0.2%; 7 homozygotes.

Submission:

CeGaT Center for Human Genetics Tuebingen
Classification: Likely benign. Last evaluated: 2026-04-01. Review status: criteria provided, single submitter. Criteria: CeGaT Center For Human Genetics Tuebingen Variant Classification Criteria Version 2. Collection method: clinical testing. Allele origin: germline. Affected: yes. Observed: 2 variant alleles.
Comment: HECTD4: BP4, BP7

NM_001388303.1(HECTD4):c.300G>T (p.Leu100=)

Gene: HECTD4 (HECT domain E3 ubiquitin protein ligase 4; minus strand). Cytogenetic location: 12q24.13.
Variant type: single nucleotide variant.
Coding change: c.300G>T on transcript NM_001388303.1 (MANE Select); coding-DNA position 300, G replaced by T.
Protein change: p.Leu100=; no amino-acid change (leucine 100 retained).
Molecular consequence: synonymous variant.
Genome position (GRCh38, 1-based): chr12:112,319,620, C>A on the plus strand (G>T on the coding strand, the complement: HECTD4 is on the minus strand). VCF-style: chr12-112319620-C-A. GRCh37 (hg19) VCF-style: chr12-112757424-C-A.
Other names: c.300G>T, p.Leu100= (NM_001109662.4).
Identifiers: ClinVar variation 2643339 (VCV002643339.24), dbSNP rs537785906, ClinGen allele CA243991604.